The following is an entry in ClinVar:

NM_017534.6(MYH2):c.4149G>A (p.Thr1383=)

Genes: MYH2 (myosin heavy chain 2; minus strand), MYHAS (myosin heavy chain gene cluster antisense RNA; plus strand). Cytogenetic location: 17p13.1.
Variant type: single nucleotide variant.
Coding change: c.4149G>A on transcript NM_017534.6 (MANE Select); coding-DNA position 4149, G replaced by A.
Protein change: p.Thr1383=; no amino-acid change (threonine 1383 retained).
Molecular consequence: synonymous variant.
Genome position (GRCh38, 1-based): chr17:10,526,637, C>T on the plus strand (G>A on the coding strand, the complement: MYH2 is on the minus strand). VCF-style: chr17-10526637-C-T. GRCh37 (hg19) VCF-style: chr17-10429954-C-T.
Other names: c.4149G>A, p.Thr1383= (NM_001100112.2).
Identifiers: ClinVar variation 321668 (VCV000321668.17), dbSNP rs376738763, ClinGen allele CA8390720.

ClinVar aggregate classification (germline): Conflicting classifications of pathogenicity. Review status: criteria provided, conflicting classifications (1 of 4 stars). 5 submissions from 5 submitters: Uncertain significance (1); Likely benign (4). Last evaluated 2025-08-20.

Conditions:
Inborn genetic diseases. Identifiers: MedGen C0950123, MeSH D030342.
Myopathy, proximal, and ophthalmoplegia (CMYO6). Also called: INCLUSION BODY MYOPATHY 3, AUTOSOMAL DOMINANT; CONGENITAL MYOPATHY 6 WITH OPHTHALMOPLEGIA; MYOPATHY WITH CONGENITAL JOINT CONTRACTURES, OPHTHALMOPLEGIA, AND RIMMED VACUOLES. Identifiers: Orphanet 363677, Orphanet 79091, MedGen C1854106, MONDO:0011577, OMIM 605637.

Allele frequency attached by ClinVar (database versions not stated): gnomAD exomes 0.00005; TOPMed 0.00006; ExAC 0.00008; ESP Exome Variant Server 0.00008; gnomAD 0.00008; 1000 Genomes Project 0.00020; 1000 Genomes Project 30x 0.00031.

Submissions (5):

Labcorp Genetics (formerly Invitae), Labcorp
Classification: Likely benign for Myopathy, proximal, and ophthalmoplegia. Last evaluated: 2025-08-20. Review status: criteria provided, single submitter. Criteria: Invitae Variant Classification Sherloc (09022015). Collection method: clinical testing. Allele origin: germline.

Ambry Genetics
Classification: Likely benign for Inborn genetic diseases. Last evaluated: 2025-03-19. Review status: criteria provided, single submitter. Criteria: Ambry Variant Classification Scheme 2023. Collection method: clinical testing. Allele origin: germline.

Blueprint Genetics
Classification: Likely benign. Last evaluated: 2024-09-13. Review status: criteria provided, single submitter. Criteria: ACMG Guidelines, 2015. Collection method: clinical testing. Allele origin: germline.

GeneDx
Classification: Likely benign. Last evaluated: 2019-02-28. Review status: criteria provided, single submitter. Criteria: GeneDx Variant Classification Process June 2021. Collection method: clinical testing. Allele origin: germline. Affected: yes.
Comment: See Variant Classification Assertion Criteria.

Illumina Laboratory Services, Illumina
Classification: Uncertain significance for Myopathy, proximal, and ophthalmoplegia. Last evaluated: 2018-01-13. Review status: criteria provided, single submitter. Criteria: ICSL Variant Classification Criteria 13 December 2019. Collection method: clinical testing. Allele origin: germline.